The following is an entry in ClinVar:

NM_018006.5(TRMU):c.652-23C>T

Gene: TRMU (tRNA mitochondrial 2-thiouridylase; plus strand). Cytogenetic location: 22q13.31.
Variant type: single nucleotide variant.
Coding change: c.652-23C>T on transcript NM_018006.5 (MANE Select); 23 bases into the intron before coding-DNA position 652, C replaced by T.
Molecular consequence: intron variant.
Genome position (GRCh38, 1-based): chr22:46,352,098, C>T. VCF-style: chr22-46352098-C-T. GRCh37 (hg19) VCF-style: chr22-46747995-C-T.
Other names: p.?; c.652-23C>T (NM_001282785.2); c.310-23C>T (NM_001282782.2); c.232-23C>T (NM_001282783.2, NM_001282784.2).
Identifiers: ClinVar variation 4684498 (VCV004684498.1).

ClinVar aggregate classification (germline): Likely benign (1 of 4 stars; one submission).

gnomAD v4.1: 516 of 1,612,182 alleles (0.032%); highest among the groups gnomAD compares: African/African-American, 0.45%; 2 homozygotes.

Submission:

Mayo Clinic Laboratories, Mayo Clinic
Classification: Likely benign. Last evaluated: 2024-09-30. Review status: criteria provided, single submitter. Criteria: ACMG Guidelines, 2015. Collection method: clinical testing. Allele origin: germline. Observed: 1 variant allele.
Comment: BS1, BP4, BP7